The following is an entry in ClinVar:

ClinVar aggregate classification (germline): Benign/Likely benign. Review status: criteria provided, multiple submitters, no conflicts (2 of 4 stars). 5 submissions from 5 submitters: Benign (1); Likely benign (4). Last evaluated 2026-01-12.

Conditions:
Hereditary cancer-predisposing syndrome. Also called: Tumor predisposition; Neoplastic Syndromes, Hereditary; Hereditary neoplastic syndrome; Hereditary Cancer Syndrome. Identifiers: Orphanet 140162, MedGen C0027672, MeSH D009386, MONDO:0015356.
Ataxia-telangiectasia syndrome (AT). Also called: Ataxia-telangiectasia, complementation group E; LOUIS-BAR SYNDROME; Cerebello-oculocutaneous telangiectasia; Immunodeficiency with ataxia telangiectasia; ATAXIA-TELANGIECTASIA, COMPLEMENTATION GROUP A; ATAXIA-TELANGIECTASIA, FRESNO VARIANT. Identifiers: Orphanet 100, MedGen C0004135, MONDO:0008840, OMIM 208900.
Familial cancer of breast. Also called: BREAST CANCER, FAMILIAL; Hereditary breast cancer; hereditary breast carcinoma. Identifiers: Orphanet 227535, MedGen C0346153, MONDO:0016419, OMIM 114480. Disease mechanism: loss of function.

Allele frequency attached by ClinVar (database versions not stated): ExAC 0.00001; gnomAD 0.00002 and 0.00003; gnomAD exomes 0.00002; TOPMed 0.00006.
gnomAD v4.1: 45 of 1,612,044 alleles (0.0028%); highest among the groups gnomAD compares: Admixed American, 0.0067%; no homozygotes.

Submissions (5):

Labcorp Genetics (formerly Invitae), Labcorp
Classification: Likely benign for Ataxia-telangiectasia syndrome. Last evaluated: 2026-01-12. Review status: criteria provided, single submitter. Criteria: Invitae Variant Classification Sherloc (09022015). Collection method: clinical testing. Allele origin: germline.

KCCC/NGS Laboratory, Kuwait Cancer Control Center
Classification: Benign for Familial cancer of breast. Last evaluated: 2025-02-01. Review status: criteria provided, single submitter. Criteria: ACMG Guidelines, 2015. Collection method: clinical testing. Allele origin: germline. Affected: no.

Blueprint Genetics
Classification: Likely benign. Last evaluated: 2024-10-29. Review status: criteria provided, single submitter. Criteria: ACMG Guidelines, 2015. Collection method: clinical testing. Allele origin: germline.

GeneDx
Classification: Likely benign. Last evaluated: 2017-08-14. Review status: criteria provided, single submitter. Criteria: GeneDx Variant Classification (06012015). Collection method: clinical testing. Allele origin: germline. Affected: yes.
Comment: This variant is considered likely benign or benign based on one or more of the following criteria: it is a conservative change, it occurs at a poorly conserved position in the protein, it is predicted to be benign by multiple in silico algorithms, and/or has population frequency not consistent with disease.

Color Diagnostics, LLC DBA Color Health
Classification: Likely benign for Hereditary cancer-predisposing syndrome. Last evaluated: 2017-02-14. Review status: criteria provided, single submitter. Criteria: ACMG Guidelines, 2015. Collection method: clinical testing. Allele origin: germline.

NM_000051.4(ATM):c.5006-18T>A

Gene: ATM (ATM serine/threonine kinase; plus strand). Cytogenetic location: 11q22.3.
Variant type: single nucleotide variant.
Coding change: c.5006-18T>A on transcript NM_000051.4 (MANE Select); 18 bases into the intron before coding-DNA position 5006, T replaced by A.
Molecular consequence: intron variant.
Genome position (GRCh38, 1-based): chr11:108,299,696, T>A. VCF-style: chr11-108299696-T-A. GRCh37 (hg19) VCF-style: chr11-108170423-T-A.
Other names: c.5006-18T>A (NM_001351834.2).
Identifiers: ClinVar variation 378985 (VCV000378985.15), dbSNP rs768321973, ClinGen allele CA6265621.